The following is an entry in ClinVar:

ClinVar aggregate classification (germline): Uncertain significance (1 of 4 stars; one submission).

Submission:

Labcorp Genetics (formerly Invitae), Labcorp
Classification: Uncertain significance. Last evaluated: 2023-11-06. Review status: criteria provided, single submitter. Criteria: Invitae Variant Classification Sherloc (09022015). Collection method: clinical testing. Allele origin: germline.
Comment: This sequence change replaces threonine, which is neutral and polar, with asparagine, which is neutral and polar, at codon 70 of the GABRA2 protein (p.Thr70Asn). This variant is not present in population databases (gnomAD no frequency). This variant has not been reported in the literature in individuals affected with GABRA2-related conditions. An algorithm developed to predict the effect of missense changes on protein structure and function (PolyPhen-2) suggests that this variant is likely to be disruptive. In summary, the available evidence is currently insufficient to determine the role of this variant in disease. Therefore, it has been classified as a Variant of Uncertain Significance.

NM_000807.4(GABRA2):c.209C>A (p.Thr70Asn)

Gene: GABRA2 (gamma-aminobutyric acid type A receptor subunit alpha2; minus strand). Cytogenetic location: 4p12.
Variant type: single nucleotide variant.
Coding change: c.209C>A on transcript NM_000807.4 (MANE Select); coding-DNA position 209, C replaced by A.
Protein change: p.Thr70Asn; replaces threonine 70 with asparagine.
Molecular consequence: missense variant. On other transcripts: intron variant (4).
Genome position (GRCh38, 1-based): chr4:46,332,661, G>T on the plus strand (C>A on the coding strand, the complement: GABRA2 is on the minus strand). VCF-style: chr4-46332661-G-T. GRCh37 (hg19) VCF-style: chr4-46334678-G-T.
Other names: c.209C>A, p.Thr70Asn (NM_001114175.3, NM_001330690.2, NM_001377144.1 and 8 more transcripts); c.91-19945C>A (NM_001377154.1, NM_001377152.1, NM_001286827.3 and 1 more transcripts); short protein forms T70N.
Identifiers: ClinVar variation 2693613 (VCV002693613.3), dbSNP rs74440199, ClinGen allele CA356801390.